The following is an entry in ClinVar:

NM_004382.5(CRHR1):c.434+292G>T

Genes: CRHR1 (corticotropin releasing hormone receptor 1), LINC02210-CRHR1 (LINC02210-CRHR1 readthrough). Cytogenetic location: 17q21.31.
Variant type: single nucleotide variant.
Coding change: c.434+292G>T on transcript NM_004382.5 (MANE Select); 292 bases into the intron after coding-DNA position 434, G replaced by T.
Molecular consequence: intron variant. On other transcripts: missense variant (1).
Genome position (GRCh38, 1-based): chr17:45,829,613, G>T. VCF-style: chr17-45829613-G-T. GRCh37 (hg19) VCF-style: chr17-43906979-G-T.
Other names: c.487G>T, p.Ala163Ser (NM_001145146.2); c.-92+292G>T (NM_001256299.3, NM_001303018.2); c.131+292G>T (NM_001303016.1, NM_001303020.2); c.434+292G>T (NM_001145148.2); c.314+292G>T (NM_001145147.2); short protein forms A163S.
Identifiers: ClinVar variation 3054702 (VCV003054702.2), dbSNP rs542050010, ClinGen allele CA8616654.
Genomic context (GRCh38, chr17:45,829,613, plus strand): 5'-ATACCCAGGCCAGGCTGCACCCATTGGGGTGACCAGGCAGATGGAGCCCTGGAGGTGGGG[G>T]CTCCATGGAGTGGTGCCCCATTTCAGGTTCGAAGGTACCTGGGCCCCAGCACTACCGCCA-3'

ClinVar aggregate classification (germline): Likely benign (0 of 4 stars; one submission).

Conditions:
CRHR1-related disorder. Also called: CRHR1-related condition.

Allele frequency attached by ClinVar (database versions not stated): ExAC 0.00020; TOPMed 0.00048; 1000 Genomes Project 0.00120; 1000 Genomes Project 30x 0.00125.
gnomAD v4.1: 106 of 1,551,008 alleles (0.0068%); highest among the groups gnomAD compares: African/African-American, 0.11%; no homozygotes.

Submission:

PreventionGenetics, part of Exact Sciences
Classification: Likely benign for CRHR1-related condition. Last evaluated: 2023-05-22. Review status: no assertion criteria provided. Collection method: clinical testing. Allele origin: germline.
Comment: This variant is classified as likely benign based on ACMG/AMP sequence variant interpretation guidelines (Richards et al. 2015 PMID: 25741868, with internal and published modifications).